The following is an entry in ClinVar:

NM_003504.5(CDC45):c.365A>G (p.Asp122Gly)

Gene: CDC45 (cell division cycle 45; plus strand). Cytogenetic location: 22q11.21.
Variant type: single nucleotide variant.
Coding change: c.365A>G on transcript NM_003504.5 (MANE Select); coding-DNA position 365, A replaced by G.
Protein change: p.Asp122Gly; replaces aspartic acid 122 with glycine.
Molecular consequence: missense variant. On other transcripts: non-coding transcript variant (1).
Genome position (GRCh38, 1-based): chr22:19,483,884, A>G. VCF-style: chr22-19483884-A-G. GRCh37 (hg19) VCF-style: chr22-19471407-A-G.
Other names: c.365A>G, p.Asp122Gly (NM_001178010.2); c.227A>G, p.Asp76Gly (NM_001178011.2); c.329A>G, p.Asp110Gly (NM_001369291.1); short protein forms D76G, D110G, D122G.
Identifiers: ClinVar variation 777664 (VCV000777664.11), dbSNP rs149459036, ClinGen allele CA10101025.
Genomic context (GRCh38, chr22:19,483,884, plus strand): 5'-AAGAGGAGAGGCTTAATTCCTTTTTGTTTTGAACTTAGATCAAATTACTCATTAAACAAG[A>G]TGATGACCTTGAAGTTCCCGCCTATGAAGACATCTTCAGGGATGAAGAGGAGGATGAAGA-3'
Protein context (NP_003495.1, residues 112-132): DTQIKLLIKQ[Asp122Gly]DDLEVPAYED

ClinVar aggregate classification (germline): Likely benign. Review status: criteria provided, single submitter (1 of 4 stars). 2 submissions from 2 submitters: Likely benign (1). 1 of the submissions does not count toward it. Last evaluated 2026-01-01.

Conditions:
CDC45-related disorder. Also called: CDC45-related condition.

Allele frequency attached by ClinVar (database versions not stated): gnomAD exomes 0.00039; ESP Exome Variant Server 0.00154; 1000 Genomes Project 0.00160; gnomAD 0.00163 and 0.00172; 1000 Genomes Project 30x 0.00172; TOPMed 0.00178.
gnomAD v4.1: 470 of 1,612,510 alleles (0.029%); highest among the groups gnomAD compares: African/African-American, 0.57%; 1 homozygote.

Submissions (2):

Labcorp Genetics (formerly Invitae), Labcorp
Classification: Likely benign. Last evaluated: 2026-01-01. Review status: criteria provided, single submitter. Criteria: Invitae Variant Classification Sherloc (09022015). Collection method: clinical testing. Allele origin: germline.

PreventionGenetics, part of Exact Sciences
Classification: Likely benign for CDC45-related condition. Last evaluated: 2019-10-16. Review status: no assertion criteria provided. Collection method: clinical testing. Allele origin: germline. Not counted in ClinVar's aggregate classification.
Comment: This variant is classified as likely benign based on ACMG/AMP sequence variant interpretation guidelines (Richards et al. 2015 PMID: 25741868, with internal and published modifications).